The following is an entry in ClinVar:

NM_000466.3(PEX1):c.1526A>C (p.Lys509Thr)

Gene: PEX1 (peroxisomal biogenesis factor 1; minus strand). Cytogenetic location: 7q21.2.
Variant type: single nucleotide variant.
Coding change: c.1526A>C on transcript NM_000466.3 (MANE Select); coding-DNA position 1526, A replaced by C.
Protein change: p.Lys509Thr; replaces lysine 509 with threonine.
Molecular consequence: missense variant.
Genome position (GRCh38, 1-based): chr7:92,511,005, T>G on the plus strand (A>C on the coding strand, the complement: PEX1 is on the minus strand). VCF-style: chr7-92511005-T-G. GRCh37 (hg19) VCF-style: chr7-92140319-T-G.
Other names: c.1526A>C, p.Lys509Thr (NM_001282677.2); c.902A>C, p.Lys301Thr (NM_001282678.2); short protein forms K301T, K509T.
Identifiers: ClinVar variation 2039422 (VCV002039422.1), dbSNP rs2484685819, ClinGen allele CA368190203.

ClinVar aggregate classification (germline): Uncertain significance (1 of 4 stars; one submission).

Conditions:
Zellweger spectrum disorders (ZS). Also called: Zellweger Spectrum Disorder; Zellweger Spectrum; Zellweger Spectrum Disorder (ZSD); Zellweger syndrome. Identifiers: Orphanet 912, MedGen C0043459, MONDO:0019609.

Submission:

Labcorp Genetics (formerly Invitae), Labcorp
Classification: Uncertain significance for Zellweger spectrum disorders. Last evaluated: 2022-10-13. Review status: criteria provided, single submitter. Criteria: Invitae Variant Classification Sherloc (09022015). Collection method: clinical testing. Allele origin: germline.
Comment: This sequence change replaces lysine, which is basic and polar, with threonine, which is neutral and polar, at codon 509 of the PEX1 protein (p.Lys509Thr). This variant is not present in population databases (gnomAD no frequency). This variant has not been reported in the literature in individuals affected with PEX1-related conditions. Advanced modeling of protein sequence and biophysical properties (such as structural, functional, and spatial information, amino acid conservation, physicochemical variation, residue mobility, and thermodynamic stability) performed at Invitae indicates that this missense variant is not expected to disrupt PEX1 protein function. In summary, the available evidence is currently insufficient to determine the role of this variant in disease. Therefore, it has been classified as a Variant of Uncertain Significance.